The following is an entry in ClinVar:

NM_000496.3(CRYBB2):c.500A>C (p.Glu167Ala)

Gene: CRYBB2 (crystallin beta B2; plus strand). Cytogenetic location: 22q11.23.
Variant type: single nucleotide variant.
Coding change: c.500A>C on transcript NM_000496.3 (MANE Select); coding-DNA position 500, A replaced by C.
Protein change: p.Glu167Ala; replaces glutamic acid 167 with alanine.
Molecular consequence: missense variant.
Genome position (GRCh38, 1-based): chr22:25,231,654, A>C. VCF-style: chr22-25231654-A-C. GRCh37 (hg19) VCF-style: chr22-25627621-A-C.
Other names: short protein forms E167A.
Identifiers: ClinVar variation 4766286 (VCV004766286.1).

ClinVar aggregate classification (germline): Uncertain significance (1 of 4 stars; one submission).

Conditions:
Cataract 3 multiple types. Also called: CATARACT 3, MULTIPLE TYPES, WITH OR WITHOUT MICROCORNEA. Identifiers: Orphanet 1377, MedGen C1832175, MONDO:0011104, OMIM 601547.

Submission:

Labcorp Genetics (formerly Invitae), Labcorp
Classification: Uncertain significance for Cataract 3 multiple types. Last evaluated: 2025-07-24. Review status: criteria provided, single submitter. Criteria: Invitae Variant Classification Sherloc (09022015). Collection method: clinical testing. Allele origin: germline.
Comment: This sequence change replaces glutamic acid, which is acidic and polar, with alanine, which is neutral and non-polar, at codon 167 of the CRYBB2 protein (p.Glu167Ala). This variant is not present in population databases (gnomAD no frequency). This variant has not been reported in the literature in individuals affected with CRYBB2-related conditions. An algorithm developed to predict the effect of missense changes on protein structure and function (PolyPhen-2) suggests that this variant is likely to be disruptive. In summary, the available evidence is currently insufficient to determine the role of this variant in disease. Therefore, it has been classified as a Variant of Uncertain Significance.